The following is an entry in ClinVar:

ClinVar aggregate classification (germline): Uncertain significance. Review status: criteria provided, multiple submitters, no conflicts (2 of 4 stars). 2 submissions from 2 submitters: Uncertain significance (2). Last evaluated 2025-02-13.

Conditions:
Cardiovascular phenotype. Identifiers: MedGen CN230736.
Brugada syndrome 8 (BRGDA8). Identifiers: Orphanet 130, MedGen C2751083, MONDO:0013148, OMIM 613123.

Allele frequency attached by ClinVar (database versions not stated): gnomAD below 0.00001 and 0.00001; gnomAD exomes 0.00002.
gnomAD v4.1: 20 of 1,422,382 alleles (0.0014%); highest among the groups gnomAD compares: South Asian, 0.0044%; no homozygotes.

Submissions (2):

Labcorp Genetics (formerly Invitae), Labcorp
Classification: Uncertain significance for Brugada syndrome 8. Last evaluated: 2025-02-13. Review status: criteria provided, single submitter. Criteria: Invitae Variant Classification Sherloc (09022015). Collection method: clinical testing. Allele origin: germline.
Comment: This sequence change replaces proline, which is neutral and non-polar, with leucine, which is neutral and non-polar, at codon 1042 of the HCN4 protein (p.Pro1042Leu). This variant is not present in population databases (gnomAD no frequency). This variant has not been reported in the literature in individuals affected with HCN4-related conditions. ClinVar contains an entry for this variant (Variation ID: 666387). Invitae Evidence Modeling of protein sequence and biophysical properties (such as structural, functional, and spatial information, amino acid conservation, physicochemical variation, residue mobility, and thermodynamic stability) indicates that this missense variant is not expected to disrupt HCN4 protein function with a negative predictive value of 95%. In summary, the available evidence is currently insufficient to determine the role of this variant in disease. Therefore, it has been classified as a Variant of Uncertain Significance.

Ambry Genetics
Classification: Uncertain significance for Cardiovascular phenotype. Last evaluated: 2022-10-30. Review status: criteria provided, single submitter. Criteria: Ambry Variant Classification Scheme 2023. Collection method: clinical testing. Allele origin: germline.
Comment: The p.P1042L variant (also known as c.3125C>T), located in coding exon 8 of the HCN4 gene, results from a C to T substitution at nucleotide position 3125. The proline at codon 1042 is replaced by leucine, an amino acid with similar properties. This amino acid position is conserved. In addition, the in silico prediction for this alteration is inconclusive. Since supporting evidence is limited at this time, the clinical significance of this alteration remains unclear.

NM_005477.3(HCN4):c.3125C>T (p.Pro1042Leu)

Gene: HCN4 (hyperpolarization activated cyclic nucleotide gated potassium channel 4; minus strand). Cytogenetic location: 15q24.1.
Variant type: single nucleotide variant.
Coding change: c.3125C>T on transcript NM_005477.3 (MANE Select); coding-DNA position 3125, C replaced by T.
Protein change: p.Pro1042Leu; replaces proline 1042 with leucine.
Molecular consequence: missense variant.
Genome position (GRCh38, 1-based): chr15:73,322,968, G>A on the plus strand (C>T on the coding strand, the complement: HCN4 is on the minus strand). VCF-style: chr15-73322968-G-A. GRCh37 (hg19) VCF-style: chr15-73615309-G-A.
Other names: short protein forms P1042L.
Identifiers: ClinVar variation 666387 (VCV000666387.7), dbSNP rs2042871424, ClinGen allele CA393086163.